The following is an entry in ClinVar:

ClinVar aggregate classification (germline): Uncertain significance (1 of 4 stars; one submission).

Conditions:
Charcot-Marie-Tooth disease axonal type 2U. Also called: CHARCOT-MARIE-TOOTH NEUROPATHY, TYPE 2U; CHARCOT-MARIE-TOOTH DISEASE, AXONAL, AUTOSOMAL DOMINANT, TYPE 2U. Identifiers: Orphanet 397735, MedGen C4084821, MONDO:0014566, OMIM 616280.
Severe early-onset pulmonary alveolar proteinosis due to MARS deficiency. Also called: PULMONARY ALVEOLAR PROTEINOSIS, REUNION ISLAND; Interstitial lung and liver disease. Identifiers: Orphanet 440427, MedGen C4225400, MONDO:0014206, OMIM 615486.

Submission:

Labcorp Genetics (formerly Invitae), Labcorp
Classification: Uncertain significance for Charcot-Marie-Tooth disease axonal type 2U; Severe early-onset pulmonary alveolar proteinosis due to MARS deficiency. Last evaluated: 2022-06-14. Review status: criteria provided, single submitter. Criteria: Invitae Variant Classification Sherloc (09022015). Collection method: clinical testing. Allele origin: germline.
Comment: This sequence change replaces lysine, which is basic and polar, with asparagine, which is neutral and polar, at codon 897 of the MARS protein (p.Lys897Asn). This variant is not present in population databases (gnomAD no frequency). This variant has not been reported in the literature in individuals affected with MARS-related conditions. Algorithms developed to predict the effect of missense changes on protein structure and function are either unavailable or do not agree on the potential impact of this missense change (SIFT: "Deleterious"; PolyPhen-2: "Not Available"; Align-GVGD: "Class C0"). In summary, the available evidence is currently insufficient to determine the role of this variant in disease. Therefore, it has been classified as a Variant of Uncertain Significance.

NM_004990.4(MARS1):c.2691G>C (p.Lys897Asn)

Gene: MARS1 (methionyl-tRNA synthetase 1; plus strand). Cytogenetic location: 12q13.3.
Variant type: single nucleotide variant.
Coding change: c.2691G>C on transcript NM_004990.4 (MANE Select); coding-DNA position 2691, G replaced by C.
Protein change: p.Lys897Asn; replaces lysine 897 with asparagine.
Molecular consequence: missense variant.
Genome position (GRCh38, 1-based): chr12:57,516,569, G>C. VCF-style: chr12-57516569-G-C. GRCh37 (hg19) VCF-style: chr12-57910352-G-C.
Other names: short protein forms K897N.
Identifiers: ClinVar variation 1940669 (VCV001940669.5), dbSNP rs2540323947, ClinGen allele CA385469456.